The following is an entry in ClinVar:

NM_002979.5(SCP2):c.41T>C (p.Val14Ala)

Gene: SCP2 (sterol carrier protein 2; plus strand). Cytogenetic location: 1p32.3.
Variant type: single nucleotide variant.
Coding change: c.41T>C on transcript NM_002979.5 (MANE Select); coding-DNA position 41, T replaced by C.
Protein change: p.Val14Ala; replaces valine 14 with alanine.
Molecular consequence: missense variant. On other transcripts: 5 prime UTR variant (1).
Genome position (GRCh38, 1-based): chr1:52,927,437, T>C. VCF-style: chr1-52927437-T-C. GRCh37 (hg19) VCF-style: chr1-53393109-T-C.
Other names: c.41T>C (NM_002979.4); c.41T>C, p.Val14Ala (NM_001007098.3, NM_001193599.2, NM_001193600.2 and 1 more transcripts); c.-145T>C (NM_001193617.2); short protein forms V14A.
Identifiers: ClinVar variation 1901842 (VCV001901842.5), dbSNP rs1463646715, ClinGen allele CA340384481.

ClinVar aggregate classification (germline): Uncertain significance. Review status: criteria provided, multiple submitters, no conflicts (2 of 4 stars). 2 submissions from 2 submitters: Uncertain significance (2). Last evaluated 2025-12-16.

Allele frequency attached by ClinVar (database versions not stated): gnomAD exomes below 0.00001; TOPMed 0.00001.
gnomAD v4.1: 1 of 1,602,026 alleles (0.000062%); highest among the groups gnomAD compares: African/African-American, 0.0013%; no homozygotes.

Submissions (2):

Ambry Genetics
Classification: Uncertain significance. Last evaluated: 2025-12-16. Review status: criteria provided, single submitter. Criteria: Ambry Variant Classification Scheme 2023. Collection method: clinical testing. Allele origin: germline.

Labcorp Genetics (formerly Invitae), Labcorp
Classification: Uncertain significance. Last evaluated: 2023-07-17. Review status: criteria provided, single submitter. Criteria: Invitae Variant Classification Sherloc (09022015). Collection method: clinical testing. Allele origin: germline.
Comment: In summary, the available evidence is currently insufficient to determine the role of this variant in disease. Therefore, it has been classified as a Variant of Uncertain Significance. Algorithms developed to predict the effect of missense changes on protein structure and function output the following: SIFT: "Not Available"; PolyPhen-2: "Benign"; Align-GVGD: "Not Available". The alanine amino acid residue is found in multiple mammalian species, which suggests that this missense change does not adversely affect protein function. ClinVar contains an entry for this variant (Variation ID: 1901842). This variant has not been reported in the literature in individuals affected with SCP2-related conditions. This variant is not present in population databases (gnomAD no frequency). This sequence change replaces valine, which is neutral and non-polar, with alanine, which is neutral and non-polar, at codon 14 of the SCP2 protein (p.Val14Ala).